The following is an entry in ClinVar:

ClinVar aggregate classification (germline): Uncertain significance (1 of 4 stars; one submission).

Submission:

Women's Health and Genetics/Laboratory Corporation of America, LabCorp
Classification: Uncertain significance. Last evaluated: 2024-05-16. Review status: criteria provided, single submitter. Criteria: LabCorp Variant Classification Summary - May 2015. Collection method: clinical testing. Allele origin: germline.
Comment: Variant summary: POLR2A c.2059A>G (p.Ile687Val) results in a conservative amino acid change located in the domain 3 (i.e. the pore domain; IPR007066) of the encoded protein sequence. Three of four in-silico tools predict a damaging effect of the variant on protein function. The variant was absent in 251312 control chromosomes (gnomAD). The available data on variant occurrences in the general population are insufficient to allow any conclusion about variant significance. To our knowledge, no occurrence of c.2059A>G in individuals affected with Neurodevelopmental Disorder With Hypotonia And Variable Intellectual And Behavioral Abnormalities and no experimental evidence demonstrating its impact on protein function have been reported. No submitters have cited clinical-significance assessments for this variant to ClinVar. Based on the evidence outlined above, the variant was classified as uncertain significance.

NM_000937.5(POLR2A):c.2059A>G (p.Ile687Val)

Gene: POLR2A (RNA polymerase II subunit A; plus strand). Cytogenetic location: 17p13.1.
Variant type: single nucleotide variant.
Coding change: c.2059A>G on transcript NM_000937.5 (MANE Select); coding-DNA position 2059, A replaced by G.
Protein change: p.Ile687Val; replaces isoleucine 687 with valine.
Molecular consequence: missense variant.
Genome position (GRCh38, 1-based): chr17:7,501,297, A>G. VCF-style: chr17-7501297-A-G. GRCh37 (hg19) VCF-style: chr17-7404616-A-G.
Other names: short protein forms I687V.
Identifiers: ClinVar variation 3336563 (VCV003336563.1).